The following is an entry in ClinVar:

ClinVar aggregate classification (germline): Pathogenic (1 of 4 stars; one submission).

Submission:

Labcorp Genetics (formerly Invitae), Labcorp
Classification: Pathogenic. Last evaluated: 2023-01-31. Review status: criteria provided, single submitter. Criteria: Invitae Variant Classification Sherloc (09022015). Collection method: clinical testing. Allele origin: germline.
Comment: This sequence change creates a premature translational stop signal (p.Gly3002Valfs*47) in the ZNF469 gene. While this is not anticipated to result in nonsense mediated decay, it is expected to disrupt the last 924 amino acid(s) of the ZNF469 protein. This variant is not present in population databases (gnomAD no frequency). This variant has not been reported in the literature in individuals affected with ZNF469-related conditions. This variant disrupts a region of the ZNF469 protein in which other variant(s) (p.Pro3556Glnfs*136) have been determined to be pathogenic (PMID: 32671420). This suggests that this is a clinically significant region of the protein, and that variants that disrupt it are likely to be disease-causing. For these reasons, this variant has been classified as Pathogenic.

Literature cited by the submitters: PubMed 32671420.

NM_001367624.2(ZNF469):c.9089del (p.Gly3030fs)

Gene: ZNF469 (zinc finger protein 469; plus strand). Cytogenetic location: 16q24.2.
Variant type: Deletion.
Coding change: c.9089del on transcript NM_001367624.2 (MANE Select); coding-DNA position 9089, one base deleted (G; older notation c.9089delG).
Protein change: p.Gly3030fs; shifts the reading frame from glycine 3030.
Molecular consequence: frameshift variant.
Genome position (GRCh38, 1-based): chr16:88,436,559, G deleted; the last of 2 consecutive G bases (chr16:88,436,558-88,436,559); deleting either gives the same sequence. VCF-style (leftmost placement, unchanged base first): chr16-88436557-CG-C. GRCh37 (hg19) VCF-style: chr16-88502965-CG-C.
Other names: short protein forms G3030fs.
Identifiers: ClinVar variation 2830703 (VCV002830703.3), dbSNP rs2507602020, ClinGen allele CA2739266947.
Genomic context (GRCh38, chr16:88,436,557, plus strand): 5'-CTCCTCTTCTCTCGGAGATGTGAGCCCCGAGCCCCCCAGCCTGGAGAGAGAACGCTGTGA[CG>C]GTGGGCTTCCCGGGAACACCCACCTGCTGCCGCTCCGTGCCACGGACTTTGAGGTGCTCA-3'